The following is an entry in ClinVar:

ClinVar aggregate classification (germline): Conflicting classifications of pathogenicity. Review status: criteria provided, conflicting classifications (1 of 4 stars). 4 submissions from 4 submitters: Uncertain significance (3); Likely benign (1). Last evaluated 2024-09-01.

Conditions:
Parkinson disease, late-onset (PD). Also called: PARKINSON DISEASE, LATE-ONSET, SUSCEPTIBILITY TO; Susceptibility to Parkinson's Disease; Hereditary late onset Parkinson disease. Identifiers: Orphanet 411602, MedGen C3160718, MONDO:0008199, OMIM 168600.
Progressive supranuclear palsy-parkinsonism syndrome. Also called: Progressive supranuclear palsy atypical; Atypical PSP; Supranuclear palsy, progressive, 1, atypical; PARKINSON-DEMENTIA SYNDROME. Identifiers: Orphanet 240085, Orphanet 683, Orphanet 99750, MedGen C1850077, MONDO:0009839, OMIM 260540.
Pick disease. Also called: PICK DISEASE OF BRAIN; DEMENTIA WITH LOBAR ATROPHY AND NEURONAL CYTOPLASMIC INCLUSIONS; Pick Disease of the Brain; Pick's disease; LOBAR ATROPHY OF BRAIN. Identifiers: Orphanet 282, MedGen C0236642, MONDO:0008243, OMIM 172700.
Progressive supranuclear ophthalmoplegia. Identifiers: MedGen C4551862.
Frontotemporal dementia (FTD1). Also called: Dementia, frontotemporal, with or without parkinsonism; Frontotemporal lobe dementia (FLDEM); FRONTOTEMPORAL LOBAR DEGENERATION WITH TAU INCLUSIONS; FTLD WITH TAU INCLUSIONS; WILHELMSEN-LYNCH DISEASE; FRONTOTEMPORAL DEMENTIA WITH PARKINSONISM. Identifiers: Orphanet 282, MedGen C0338451, MONDO:0017276, OMIM 600274, HP:0002145.

Allele frequency attached by ClinVar (database versions not stated): gnomAD exomes 0.00005; ESP Exome Variant Server 0.00008; gnomAD 0.00010; TOPMed 0.00013.
gnomAD v4.1: 173 of 1,613,676 alleles (0.011%); highest among the groups gnomAD compares: Non-Finnish European, 0.014%; no homozygotes.

Submissions (4):

CeGaT Center for Human Genetics Tuebingen
Classification: Uncertain significance. Last evaluated: 2024-09-01. Review status: criteria provided, single submitter. Criteria: CeGaT Center For Human Genetics Tuebingen Variant Classification Criteria Version 2. Collection method: clinical testing. Allele origin: germline. Affected: yes. Observed: 1 variant allele.
Comment: MAPT: PM2:Supporting, BP4

Blueprint Genetics
Classification: Likely benign. Last evaluated: 2024-06-10. Review status: criteria provided, single submitter. Criteria: ACMG Guidelines, 2015. Collection method: clinical testing. Allele origin: germline.

Fulgent Genetics
Classification: Uncertain significance for Parkinson disease, late-onset; Pick disease; Progressive supranuclear palsy-parkinsonism syndrome; Frontotemporal dementia; Supranuclear palsy, progressive, 1. Last evaluated: 2018-10-31. Review status: criteria provided, single submitter. Criteria: ACMG Guidelines, 2015. Collection method: clinical testing. Allele origin: unknown.

GeneDx
Classification: Uncertain significance. Last evaluated: 2017-05-12. Review status: criteria provided, single submitter. Criteria: GeneDx Variant Classification (06012015). Collection method: clinical testing. Allele origin: germline. Affected: yes.
Comment: The A297V variant in the MAPT gene has been published previously in one patient with frontotemporal dementia, however the authors suggest the variant may be benign, as it exists in exon 4A, which is not expressed in adult human cerebral cortex and there are other variants in exon 4A found at significant frequencies in publicly available databases (Jin et al., 2012). The A297V variant is observed in 3/66288 (0.0045%) alleles from individuals of non-Finnish, European background, in the ExAC dataset (Lek et al., 2016). The A297V variant is a conservative amino acid substitution, which is not likely to impact secondary protein structure as these residues share similar properties. This substitution occurs at a position that is not conserved, and in silico analysis predicts this variant likely does not alter the protein structure/function. Therefore, we interpret A297V as a variant of uncertain significance.

NM_001377265.1(MAPT):c.1115C>T (p.Ala372Val)

Gene: MAPT (microtubule associated protein tau). Cytogenetic location: 17q21.31.
Variant type: single nucleotide variant.
Coding change: c.1115C>T on transcript NM_001377265.1 (MANE Select); coding-DNA position 1115, C replaced by T.
Protein change: p.Ala372Val; replaces alanine 372 with valine.
Molecular consequence: missense variant. On other transcripts: intron variant (8).
Genome position (GRCh38, 1-based): chr17:45,983,694, C>T. VCF-style: chr17-45983694-C-T. GRCh37 (hg19) VCF-style: chr17-44061060-C-T.
Other names: c.890C>T, p.Ala297Val (NM_001123066.4, NM_016835.5); c.1115C>T, p.Ala372Val (NM_001377266.1); c.200-3346C>T (NM_001377268.1, NM_016834.5, NM_016841.5); c.374-3346C>T (NM_005910.6, NM_001203252.2); c.287-3346C>T (NM_001123067.4, NM_001203251.2, NM_001377267.1); short protein forms A297V, A372V.
Identifiers: ClinVar variation 429936 (VCV000429936.19), dbSNP rs377402921, ClinGen allele CA8617779.